The following is an entry in ClinVar:

ClinVar aggregate classification (germline): Uncertain significance. Review status: criteria provided, multiple submitters, no conflicts (2 of 4 stars). 3 submissions from 3 submitters: Uncertain significance (3). Last evaluated 2025-10-28.

Conditions:
Inborn genetic diseases. Identifiers: MedGen C0950123, MeSH D030342.

Allele frequency attached by ClinVar (database versions not stated): gnomAD 0.00001; TOPMed 0.00001; gnomAD exomes 0.00002 and 0.00004; ExAC 0.00004.
gnomAD v4.1: 25 of 1,580,762 alleles (0.0016%); highest among the groups gnomAD compares: Middle Eastern, 0.017%; no homozygotes.

Submissions (3):

Ambry Genetics
Classification: Uncertain significance for Inborn genetic diseases. Last evaluated: 2025-10-28. Review status: criteria provided, single submitter. Criteria: Ambry Variant Classification Scheme 2023. Collection method: clinical testing. Allele origin: germline.

CeGaT Center for Human Genetics Tuebingen
Classification: Uncertain significance. Last evaluated: 2024-10-01. Review status: criteria provided, single submitter. Criteria: CeGaT Center For Human Genetics Tuebingen Variant Classification Criteria Version 2. Collection method: clinical testing. Allele origin: germline. Affected: yes. Observed: 1 variant allele.
Comment: DNAJC21: PM2, BP4

Labcorp Genetics (formerly Invitae), Labcorp
Classification: Uncertain significance. Last evaluated: 2021-08-12. Review status: criteria provided, single submitter. Criteria: Invitae Variant Classification Sherloc (09022015). Collection method: clinical testing. Allele origin: germline.
Comment: This sequence change replaces glutamine with arginine at codon 395 of the DNAJC21 protein (p.Gln395Arg). The glutamine residue is moderately conserved and there is a small physicochemical difference between glutamine and arginine. This variant is present in population databases (rs147371433, ExAC 0.02%). This variant has not been reported in the literature in individuals affected with DNAJC21-related conditions. Algorithms developed to predict the effect of missense changes on protein structure and function (SIFT, PolyPhen-2, Align-GVGD) all suggest that this variant is likely to be tolerated. In summary, the available evidence is currently insufficient to determine the role of this variant in disease. Therefore, it has been classified as a Variant of Uncertain Significance.

NM_001012339.3(DNAJC21):c.1184A>G (p.Gln395Arg)

Gene: DNAJC21 (DnaJ heat shock protein family (Hsp40) member C21; plus strand). Cytogenetic location: 5p13.2.
Variant type: single nucleotide variant.
Coding change: c.1184A>G on transcript NM_001012339.3 (MANE Select); coding-DNA position 1184, A replaced by G.
Protein change: p.Gln395Arg; replaces glutamine 395 with arginine.
Molecular consequence: missense variant.
Genome position (GRCh38, 1-based): chr5:34,945,802, A>G. VCF-style: chr5-34945802-A-G. GRCh37 (hg19) VCF-style: chr5-34945907-A-G.
Other names: c.1223A>G, p.Gln408Arg (NM_001348420.2); c.1184A>G, p.Gln395Arg (NM_194283.4); c.1184A>G (NM_194283.3); short protein forms Q408R, Q395R.
Identifiers: ClinVar variation 1357607 (VCV001357607.17), dbSNP rs147371433, ClinGen allele CA3228740.